The following is an entry in ClinVar:

NM_003742.4(ABCB11):c.3130del (p.Ala1044fs)

Gene: ABCB11 (ATP binding cassette subfamily B member 11; minus strand). Cytogenetic location: 2q31.1.
Variant type: Deletion.
Coding change: c.3130del on transcript NM_003742.4 (MANE Select); coding-DNA position 3130, one base deleted (G; older notation c.3130delG).
Protein change: p.Ala1044fs; shifts the reading frame from alanine 1044.
Molecular consequence: frameshift variant.
Genome position (GRCh38, 1-based): chr2:168,932,460, C deleted on the plus strand (G on the coding strand, the reverse complement: ABCB11 is on the minus strand). VCF-style (leftmost placement, unchanged base first): chr2-168932459-GC-G. GRCh37 (hg19) VCF-style: chr2-169788969-GC-G.
Other names: short protein forms A1044fs.
Identifiers: ClinVar variation 4846727 (VCV004846727.1).

ClinVar aggregate classification (germline): Pathogenic (1 of 4 stars; one submission).

Conditions:
Familial intrahepatic cholestasis. Identifiers: Orphanet 284385, MedGen CN296401, MONDO:0017290.

Submission:

Genomenon, Inc
Classification: Pathogenic for Familial intrahepatic cholestasis. Last evaluated: 2026-04-14. Review status: criteria provided, single submitter. Criteria: Genomenon Sequence Variant Interpretation Standards - Updated. Collection method: curation. Allele origin: germline. Affected: yes.
Comment: ABCB11 p.Ala1044LeufsTer53 (c.3130del) is a frameshift variant that results in the production of a truncated protein which is predicted to undergo nonsense-mediated mRNA decay. This variant has been observed in at least one proband with an ABCB11-related disorder (PMID:35626323). It is absent or not present at a significant frequency in gnomAD. In conclusion, we classify ABCB11 p.Ala1044LeufsTer53 (c.3130del) as a pathogenic variant.

Literature cited by the submitters: PubMed 35626323.